The following is an entry in ClinVar:

ClinVar aggregate classification (germline): Uncertain significance (1 of 4 stars; one submission).

Conditions:
Familial cancer of breast. Also called: hereditary breast carcinoma; Hereditary breast cancer; BREAST CANCER, FAMILIAL. Identifiers: Orphanet 227535, MedGen C0346153, MONDO:0016419, OMIM 114480. Disease mechanism: loss of function.

Submission:

Labcorp Genetics (formerly Invitae), Labcorp
Classification: Uncertain significance for Familial cancer of breast. Last evaluated: 2018-12-26. Review status: criteria provided, single submitter. Criteria: Invitae Variant Classification Sherloc (09022015). Collection method: clinical testing. Allele origin: germline.
Comment: In summary, the available evidence is currently insufficient to determine the role of this variant in disease. Therefore, it has been classified as a Variant of Uncertain Significance. Algorithms developed to predict the effect of missense changes on protein structure and function (SIFT, PolyPhen-2, Align-GVGD) all suggest that this variant is likely to be disruptive, but these predictions have not been confirmed by published functional studies and their clinical significance is uncertain. This variant has not been reported in the literature in individuals with CHEK2-related conditions. This variant is not present in population databases (ExAC no frequency). This sequence change replaces arginine with proline at codon 180 of the CHEK2 protein (p.Arg180Pro). The arginine residue is highly conserved and there is a moderate physicochemical difference between arginine and proline.

NM_007194.4(CHEK2):c.539G>C (p.Arg180Pro)

Gene: CHEK2 (checkpoint kinase 2; minus strand). Cytogenetic location: 22q12.1.
Variant type: single nucleotide variant.
Coding change: c.539G>C on transcript NM_007194.4 (MANE Select); coding-DNA position 539, G replaced by C.
Protein change: p.Arg180Pro; replaces arginine 180 with proline.
Molecular consequence: missense variant. On other transcripts: 5 prime UTR variant (2), intron variant (1).
Genome position (GRCh38, 1-based): chr22:28,725,030, C>G on the plus strand (G>C on the coding strand, the complement: CHEK2 is on the minus strand). VCF-style: chr22-28725030-C-G. GRCh37 (hg19) VCF-style: chr22-29121018-C-G.
Other names: c.668G>C, p.Arg223Pro (NM_001005735.3, NM_001438294.1); c.-239G>C (NM_001257387.3); c.-125G>C (NM_001437942.1); c.632G>C, p.Arg211Pro (NM_001438293.1, NM_001438295.1); c.539G>C, p.Arg180Pro (NM_145862.3); c.445-107G>C (NM_001349956.3); short protein forms R180P, R223P, R211P.
Identifiers: ClinVar variation 649094 (VCV000649094.9), dbSNP rs137853009, ClinGen allele CA411107219.